The following is an entry in ClinVar:

NM_015512.5(DNAH1):c.6554C>T (p.Ser2185Leu)

Gene: DNAH1 (dynein axonemal heavy chain 1; plus strand). Cytogenetic location: 3p21.1.
Variant type: single nucleotide variant.
Coding change: c.6554C>T on transcript NM_015512.5 (MANE Select); coding-DNA position 6554, C replaced by T.
Protein change: p.Ser2185Leu; replaces serine 2185 with leucine.
Molecular consequence: missense variant.
Genome position (GRCh38, 1-based): chr3:52,371,974, C>T. VCF-style: chr3-52371974-C-T. GRCh37 (hg19) VCF-style: chr3-52405990-C-T.
Other names: short protein forms S2185L.
Identifiers: ClinVar variation 835525 (VCV000835525.5), dbSNP rs369619987, ClinGen allele CA2434562.

ClinVar aggregate classification (germline): Uncertain significance (1 of 4 stars; one submission).

Conditions:
Spermatogenic failure 18. Identifiers: MedGen C4539783, MONDO:0054615, OMIM 617576.
Ciliary dyskinesia, primary, 37 (CILD37). Also called: CILIARY DYSKINESIA, PRIMARY, 37, WITH OR WITHOUT SITUS INVERSUS. Identifiers: MedGen C4539798, MONDO:0033204, OMIM 617577.

Allele frequency attached by ClinVar (database versions not stated): gnomAD exomes 0.00005 and 0.00001; TOPMed 0.00024; gnomAD 0.00025 and 0.00024; ExAC 0.00005; ESP Exome Variant Server 0.00024.
gnomAD v4.1: 57 of 1,613,802 alleles (0.0035%); highest among the groups gnomAD compares: African/African-American, 0.075%; 1 homozygote.

Submission:

Labcorp Genetics (formerly Invitae), Labcorp
Classification: Uncertain significance for Ciliary dyskinesia, primary, 37; Spermatogenic failure 18. Last evaluated: 2025-07-02. Review status: criteria provided, single submitter. Criteria: Invitae Variant Classification Sherloc (09022015). Collection method: clinical testing. Allele origin: germline.
Comment: This sequence change replaces serine, which is neutral and polar, with leucine, which is neutral and non-polar, at codon 2185 of the DNAH1 protein (p.Ser2185Leu). This variant is present in population databases (rs369619987, gnomAD 0.08%). This variant has not been reported in the literature in individuals affected with DNAH1-related conditions. ClinVar contains an entry for this variant (Variation ID: 835525). Invitae Evidence Modeling of protein sequence and biophysical properties (such as structural, functional, and spatial information, amino acid conservation, physicochemical variation, residue mobility, and thermodynamic stability) indicates that this missense variant is not expected to disrupt DNAH1 protein function with a negative predictive value of 80%. In summary, the available evidence is currently insufficient to determine the role of this variant in disease. Therefore, it has been classified as a Variant of Uncertain Significance.